The following is an entry in ClinVar:

ClinVar aggregate classification (germline): Uncertain significance (1 of 4 stars; one submission).

Conditions:
Progressive myoclonic epilepsy. Also called: Familial progressive myoclonic epilepsy; Myoclonic Epilepsies, Progressive; Myoclonus epilepsy; Progressive myoclonus epilepsy. Identifiers: Orphanet 308, Orphanet 98261, MedGen C0751778, MONDO:0020074.

Submission:

Labcorp Genetics (formerly Invitae), Labcorp
Classification: Uncertain significance for Progressive myoclonic epilepsy. Last evaluated: 2020-03-11. Review status: criteria provided, single submitter. Criteria: Invitae Variant Classification Sherloc (09022015). Collection method: clinical testing. Allele origin: germline.
Comment: In summary, the available evidence is currently insufficient to determine the role of this variant in disease. Therefore, it has been classified as a Variant of Uncertain Significance. Algorithms developed to predict the effect of missense changes on protein structure and function (SIFT, PolyPhen-2, Align-GVGD) all suggest that this variant is likely to be tolerated, but these predictions have not been confirmed by published functional studies and their clinical significance is uncertain. Algorithms developed to predict the effect of sequence changes on RNA splicing suggest that this variant may create or strengthen a splice site, but this prediction has not been confirmed by published transcriptional studies. This variant has not been reported in the literature in individuals with GOSR2-related conditions. This variant is not present in population databases (ExAC no frequency). This sequence change replaces isoleucine with valine at codon 32 of the GOSR2 protein (p.Ile32Val). The isoleucine residue is weakly conserved and there is a small physicochemical difference between isoleucine and valine.

NM_004287.5(GOSR2):c.94A>G (p.Ile32Val)

Genes: GOSR2 (golgi SNAP receptor complex member 2; plus strand), LRRC37A2 (leucine rich repeat containing 37 member A2). Cytogenetic location: 17q21.32.
Variant type: single nucleotide variant.
Coding change: c.94A>G on transcript NM_004287.5 (MANE Select); coding-DNA position 94, A replaced by G.
Protein change: p.Ile32Val; replaces isoleucine 32 with valine.
Molecular consequence: missense variant. On other transcripts: non-coding transcript variant (3).
Genome position (GRCh38, 1-based): chr17:46,929,584, A>G. VCF-style: chr17-46929584-A-G. GRCh37 (hg19) VCF-style: chr17-45006950-A-G.
Other names: c.40A>G, p.Ile14Val (NM_001363851.2, NM_001321134.2); c.94A>G, p.Ile32Val (NM_054022.4, NM_001012511.3, NM_001321133.2 and 4 more transcripts); short protein forms I32V, I14V.
Identifiers: ClinVar variation 1039571 (VCV001039571.9), dbSNP rs2086996915, ClinGen allele CA400016060.